The following is an entry in ClinVar:

NM_015978.3(TNNI3K):c.622_627del (p.Ser208_Ala209del)

Genes: FPGT-TNNI3K (FPGT-TNNI3K readthrough; plus strand), TNNI3K (TNNI3 interacting kinase; plus strand). Cytogenetic location: 1p31.1.
Variant type: Deletion.
Coding change: c.622_627del on transcript NM_015978.3 (MANE Select); coding-DNA positions 622 to 627, 6 bases deleted (TCTGCA; older notation c.622_627delTCTGCA).
Protein change: p.Ser208_Ala209del.
Molecular consequence: inframe deletion.
Genome position (GRCh38, 1-based): chr1:74,336,089-74,336,094, TCTGCA deleted; deleting any 6 consecutive bases within chr1:74,336,086-74,336,094 gives the same sequence; the c. name uses the placement nearest the transcript's 3' end. VCF-style (leftmost placement, unchanged base first): chr1-74336085-AGCATCT-A. GRCh37 (hg19) VCF-style: chr1-74801769-AGCATCT-A.
Other names: c.925_930del, p.Ser309_Ala310del (NM_001112808.3, NM_001199327.2).
Identifiers: ClinVar variation 1385631 (VCV001385631.6), dbSNP rs2100425133, ClinGen allele CA2573132588.

ClinVar aggregate classification (germline): Uncertain significance (1 of 4 stars; one submission).

Submission:

Labcorp Genetics (formerly Invitae), Labcorp
Classification: Uncertain significance. Last evaluated: 2021-10-09. Review status: criteria provided, single submitter. Criteria: Invitae Variant Classification Sherloc (09022015). Collection method: clinical testing. Allele origin: germline.
Comment: Experimental studies and prediction algorithms are not available or were not evaluated, and the functional significance of this variant is currently unknown. This variant, c.622_627del, results in the deletion of 2 amino acid(s) of the TNNI3K protein (p.Ser208_Ala209del), but otherwise preserves the integrity of the reading frame. This variant is not present in population databases (ExAC no frequency). This variant has not been reported in the literature in individuals affected with TNNI3K-related conditions. In summary, the available evidence is currently insufficient to determine the role of this variant in disease. Therefore, it has been classified as a Variant of Uncertain Significance.